The following is an entry in ClinVar:

ClinVar aggregate classification (germline): Uncertain significance. Review status: criteria provided, multiple submitters, no conflicts (2 of 4 stars). 2 submissions from 2 submitters: Uncertain significance (2). Last evaluated 2024-01-18.

Conditions:
Hereditary cancer-predisposing syndrome. Also called: Neoplastic Syndromes, Hereditary; Tumor predisposition; Hereditary Cancer Syndrome; Hereditary neoplastic syndrome. Identifiers: Orphanet 140162, MedGen C0027672, MeSH D009386, MONDO:0015356.
Endometrial carcinoma. Also called: Endometrial carcinoma, somatic. Identifiers: MedGen C0476089, MONDO:0002447, OMIM 608089, HP:0012114.

Submissions (2):

Baylor Genetics
Classification: Uncertain significance for Endometrial carcinoma. Last evaluated: 2024-01-18. Review status: criteria provided, single submitter. Criteria: ACMG Guidelines, 2015. Collection method: clinical testing. Allele origin: unknown.

Ambry Genetics
Classification: Uncertain significance for Hereditary cancer-predisposing syndrome. Last evaluated: 2022-06-23. Review status: criteria provided, single submitter. Criteria: Ambry Variant Classification Scheme 2023. Collection method: clinical testing. Allele origin: germline.
Comment: The c.3302+5G>T intronic variant results from a G to T substitution 5 nucleotides after coding exon 23 in the MSH3 gene. This nucleotide position is highly conserved in available vertebrate species. In silico splice site analysis predicts that this alteration may weaken the native splice donor site. Since supporting evidence is limited at this time, the clinical significance of this alteration remains unclear.

NM_002439.5(MSH3):c.3302+5G>T

Gene: MSH3 (mutS homolog 3; plus strand). Cytogenetic location: 5q14.1.
Variant type: single nucleotide variant.
Coding change: c.3302+5G>T on transcript NM_002439.5 (MANE Select); 5 bases into the intron after coding-DNA position 3302, G replaced by T.
Molecular consequence: intron variant.
Genome position (GRCh38, 1-based): chr5:80,873,292, G>T. VCF-style: chr5-80873292-G-T. GRCh37 (hg19) VCF-style: chr5-80169111-G-T.
Identifiers: ClinVar variation 1729996 (VCV001729996.3), dbSNP rs2112129014, ClinGen allele CA2580073594.